The following is an entry in ClinVar:

NM_021267.5(CERS1):c.18_29del (p.3AAGP[1])

Genes: CERS1 (ceramide synthase 1; minus strand), GDF1 (growth differentiation factor 1; minus strand). Cytogenetic location: 19p13.11.
Variant type: Deletion.
Coding change: c.18_29del on transcript NM_021267.5 (MANE Select); coding-DNA positions 18 to 29, 12 bases deleted (CGCGGCGGGGCC).
Protein change: p.3AAGP[1].
Molecular consequence: inframe deletion. On other transcripts: 5 prime UTR variant (4), intron variant (3).
Genome position (GRCh38, 1-based): chr19:18,896,044-18,896,055, GGCCCCGCCGCG deleted on the plus strand (CGCGGCGGGGCC on the coding strand, the reverse complement: CERS1 is on the minus strand); deleting any 12 consecutive bases within chr19:18,896,044-18,896,066 gives the same sequence; the c. name uses the placement nearest the transcript's 3' end. VCF-style (leftmost placement, unchanged base first): chr19-18896043-CGGCCCCGCCGCG-C. GRCh37 (hg19) VCF-style: chr19-19006852-CGGCCCCGCCGCG-C.
Other names: c.18_29del, p.3AAGP[1] (NM_001387439.1, NM_001387440.1, NM_001387441.1 and 1 more transcripts); c.-511_-500del (NM_001387444.1); c.-458_-447del (NM_001387445.1); c.-885_-874del (NM_001387438.1); c.-1305_-1294del (NM_001492.6); c.-46+671_-46+682del (NM_001387443.1); c.-46+506_-46+517del (NM_001387442.1, NM_001290265.2).
Identifiers: ClinVar variation 1523314 (VCV001523314.8), dbSNP rs1026938291, ClinGen allele CA2326581145.

ClinVar aggregate classification (germline): Uncertain significance (1 of 4 stars; one submission).

Conditions:
Progressive myoclonic epilepsy type 8. Identifiers: Orphanet 424027, MedGen C5190825, MONDO:0014545, OMIM 616230.

Submission:

Labcorp Genetics (formerly Invitae), Labcorp
Classification: Uncertain significance for Progressive myoclonic epilepsy type 8. Last evaluated: 2022-05-07. Review status: criteria provided, single submitter. Criteria: Invitae Variant Classification Sherloc (09022015). Collection method: clinical testing. Allele origin: germline.
Comment: This variant has not been reported in the literature in individuals affected with CERS1-related conditions. The frequency data for this variant in the population databases is considered unreliable, as metrics indicate insufficient coverage at this position in the gnomAD database. This variant, c.18_29del, results in the deletion of 4 amino acid(s) of the CERS1 protein (p.Ala7_Pro10del), but otherwise preserves the integrity of the reading frame. Experimental studies and prediction algorithms are not available or were not evaluated, and the functional significance of this variant is currently unknown. In summary, the available evidence is currently insufficient to determine the role of this variant in disease. Therefore, it has been classified as a Variant of Uncertain Significance.